The following is an entry in ClinVar:

NM_003079.5(SMARCE1):c.121del (p.Leu41fs)

Gene: SMARCE1 (SWI/SNF related BAF chromatin remodeling complex subunit E1; minus strand). Cytogenetic location: 17q21.2.
Variant type: Deletion.
Coding change: c.121del on transcript NM_003079.5 (MANE Select); coding-DNA position 121, one base deleted (C; older notation c.121delC).
Protein change: p.Leu41fs; shifts the reading frame from leucine 41.
Molecular consequence: frameshift variant.
Genome position (GRCh38, 1-based): chr17:40,642,490, G deleted on the plus strand (C on the coding strand, the reverse complement: SMARCE1 is on the minus strand). VCF-style (leftmost placement, unchanged base first): chr17-40642489-AG-A. GRCh37 (hg19) VCF-style: chr17-38798741-AG-A.
Other names: short protein forms L41fs.
Identifiers: ClinVar variation 4806943 (VCV004806943.1).

ClinVar aggregate classification (germline): Pathogenic (1 of 4 stars; one submission).

Conditions:
Familial meningioma. Also called: Meningioma, familial, susceptibility to. Identifiers: Orphanet 263662, MedGen C3551915, MONDO:0011789, OMIM 607174.

Submission:

Labcorp Genetics (formerly Invitae), Labcorp
Classification: Pathogenic for Familial meningioma. Last evaluated: 2025-05-20. Review status: criteria provided, single submitter. Criteria: Invitae Variant Classification Sherloc (09022015). Collection method: clinical testing. Allele origin: germline.
Comment: This sequence change creates a premature translational stop signal (p.Leu41Trpfs*30) in the SMARCE1 gene. It is expected to result in an absent or disrupted protein product. Loss-of-function variants in SMARCE1 are known to be pathogenic (PMID: 23377182). This variant is not present in population databases (gnomAD no frequency). This variant has not been reported in the literature in individuals affected with SMARCE1-related conditions. Algorithms developed to predict the effect of sequence changes on RNA splicing suggest that this variant may disrupt the consensus splice site. For these reasons, this variant has been classified as Pathogenic.

Literature cited by the submitters: PubMed 23377182.